The following is an entry in ClinVar:

ClinVar aggregate classification (germline): Likely benign (0 of 4 stars; one submission).

Conditions:
MC4R-related disorder. Also called: MC4R-related condition.

Allele frequency attached by ClinVar (database versions not stated): gnomAD exomes below 0.00001; TOPMed 0.00001; gnomAD 0.00003; ESP Exome Variant Server 0.00008.

Submission:

PreventionGenetics, part of Exact Sciences
Classification: Likely benign for MC4R-related condition. Last evaluated: 2021-02-16. Review status: no assertion criteria provided. Collection method: clinical testing. Allele origin: germline.
Comment: This variant is classified as likely benign based on ACMG/AMP sequence variant interpretation guidelines (Richards et al. 2015 PMID: 25741868, with internal and published modifications).

NM_005912.3(MC4R):c.30C>T (p.His10=)

Gene: MC4R (melanocortin 4 receptor; minus strand). Cytogenetic location: 18q21.32.
Variant type: single nucleotide variant.
Coding change: c.30C>T on transcript NM_005912.3 (MANE Select); coding-DNA position 30, C replaced by T.
Protein change: p.His10=; no amino-acid change (histidine 10 retained).
Molecular consequence: synonymous variant.
Genome position (GRCh38, 1-based): chr18:60,372,320, G>A on the plus strand (C>T on the coding strand, the complement: MC4R is on the minus strand). VCF-style: chr18-60372320-G-A. GRCh37 (hg19) VCF-style: chr18-58039553-G-A.
Identifiers: ClinVar variation 3046038 (VCV003046038.2), dbSNP rs143128989, ClinGen allele CA301530059.